The following is an entry in ClinVar:

NM_000834.5(GRIN2B):c.722T>C (p.Phe241Ser)

Gene: GRIN2B (glutamate ionotropic receptor NMDA type subunit 2B; minus strand). Cytogenetic location: 12p13.1.
Variant type: single nucleotide variant.
Coding change: c.722T>C on transcript NM_000834.5 (MANE Select); coding-DNA position 722, T replaced by C.
Protein change: p.Phe241Ser; replaces phenylalanine 241 with serine.
Molecular consequence: missense variant.
Genome position (GRCh38, 1-based): chr12:13,753,605, A>G on the plus strand (T>C on the coding strand, the complement: GRIN2B is on the minus strand). VCF-style: chr12-13753605-A-G. GRCh37 (hg19) VCF-style: chr12-13906539-A-G.
Other names: c.722T>C, p.Phe241Ser (NM_001413992.1, NM_001413993.1, NM_001413994.1 and 1 more transcripts); short protein forms F241S.
Identifiers: ClinVar variation 5017783 (VCV005017783.1).
Genomic context (GRCh38, chr12:13,753,605, plus strand): 5'-AGACTGGGCACGATCCACGTGTAGCCATAGCCAGTCAGCCCTACTGAGTTGGCCACTTCA[A>G]AGATGTAGGTGGCTTCTTCCTTGGTACAGTAAAGAAGAATGATGGGGCTTTGAAGTTTCT-3'
Protein context (NP_000825.2, residues 231-251): YCTKEEATYI[Phe241Ser]EVANSVGLTG

ClinVar aggregate classification (germline): Uncertain significance (1 of 4 stars; one submission).

Submission:

GeneDx
Classification: Uncertain significance. Last evaluated: 2026-03-28. Review status: criteria provided, single submitter. Criteria: GeneDx Variant Classification Process June 2021. Collection method: clinical testing. Allele origin: germline.
Comment: Not observed at significant frequency in large population cohorts (gnomAD); In silico analysis supports that this missense variant has a deleterious effect on protein structure/function; Has not been previously published as pathogenic or benign to our knowledge